The following is an entry in ClinVar:

NM_002691.4(POLD1):c.1801C>G (p.Leu601Val)

Gene: POLD1 (DNA polymerase delta 1, catalytic subunit; plus strand). Cytogenetic location: 19q13.33.
Variant type: single nucleotide variant.
Coding change: c.1801C>G on transcript NM_002691.4 (MANE Select); coding-DNA position 1801, C replaced by G.
Protein change: p.Leu601Val; replaces leucine 601 with valine.
Molecular consequence: missense variant. On other transcripts: non-coding transcript variant (1).
Genome position (GRCh38, 1-based): chr19:50,408,810, C>G. VCF-style: chr19-50408810-C-G. GRCh37 (hg19) VCF-style: chr19-50912067-C-G.
Other names: c.1801C>G, p.Leu601Val (NM_001256849.1); c.1879C>G, p.Leu627Val (NM_001308632.1); short protein forms L601V, L627V.
Identifiers: ClinVar variation 1392148 (VCV001392148.8), dbSNP rs1208283621, ClinGen allele CA406981978.

ClinVar aggregate classification (germline): Uncertain significance (1 of 4 stars; one submission).

Conditions:
POLD1-related polyposis and colorectal cancer syndrome (CRCS10). Also called: Colorectal cancer, susceptibility to, 10; Colorectal cancer 10; COLORECTAL CANCER, SUSCEPTIBILITY TO, ON CHROMOSOME 19q. Identifiers: Orphanet 220460, MedGen C2675481, MONDO:0012953, OMIM 612591.

Allele frequency attached by ClinVar (database versions not stated): gnomAD exomes below 0.00001; TOPMed below 0.00001; gnomAD 0.00001.
gnomAD v4.1: 2 of 1,613,868 alleles (0.00012%); highest among the groups gnomAD compares: Non-Finnish European, 0.00017%; no homozygotes.

Submission:

Labcorp Genetics (formerly Invitae), Labcorp
Classification: Uncertain significance for POLD1-related polyposis and colorectal cancer syndrome. Last evaluated: 2021-04-30. Review status: criteria provided, single submitter. Criteria: Invitae Variant Classification Sherloc (09022015). Collection method: clinical testing. Allele origin: germline.
Comment: This variant is not present in population databases (ExAC no frequency). This variant has not been reported in the literature in individuals with POLD1-related conditions. Algorithms developed to predict the effect of missense changes on protein structure and function (SIFT, PolyPhen-2, Align-GVGD) all suggest that this variant is likely to be disruptive, but these predictions have not been confirmed by published functional studies and their clinical significance is uncertain. In summary, the available evidence is currently insufficient to determine the role of this variant in disease. Therefore, it has been classified as a Variant of Uncertain Significance. This sequence change replaces leucine with valine at codon 601 of the POLD1 protein (p.Leu601Val). The leucine residue is highly conserved and there is a small physicochemical difference between leucine and valine.